The following is an entry in ClinVar:

ClinVar aggregate classification (germline): Uncertain significance. Review status: criteria provided, multiple submitters, no conflicts (2 of 4 stars). 2 submissions from 2 submitters: Uncertain significance (2). Last evaluated 2023-10-27.

Allele frequency attached by ClinVar (database versions not stated): gnomAD 0.00001; ExAC 0.00002.
gnomAD v4.1: 10 of 1,613,230 alleles (0.00062%); highest among the groups gnomAD compares: Middle Eastern, 0.066%; no homozygotes.

Submissions (2):

Ambry Genetics
Classification: Uncertain significance. Last evaluated: 2023-10-27. Review status: criteria provided, single submitter. Criteria: Ambry Variant Classification Scheme 2023. Collection method: clinical testing. Allele origin: germline.

Labcorp Genetics (formerly Invitae), Labcorp
Classification: Uncertain significance. Last evaluated: 2022-08-24. Review status: criteria provided, single submitter. Criteria: Invitae Variant Classification Sherloc (09022015). Collection method: clinical testing. Allele origin: germline.
Comment: This sequence change replaces threonine, which is neutral and polar, with methionine, which is neutral and non-polar, at codon 498 of the DSCAML1 protein (p.Thr498Met). This variant is present in population databases (rs762502300, gnomAD 0.003%). This variant has not been reported in the literature in individuals affected with DSCAML1-related conditions. Algorithms developed to predict the effect of missense changes on protein structure and function are either unavailable or do not agree on the potential impact of this missense change (SIFT: "Deleterious"; PolyPhen-2: "Probably Damaging"; Align-GVGD: "Class C0"). In summary, the available evidence is currently insufficient to determine the role of this variant in disease. Therefore, it has been classified as a Variant of Uncertain Significance.

NM_020693.4(DSCAML1):c.1313C>T (p.Thr438Met)

Gene: DSCAML1 (DS cell adhesion molecule like 1; minus strand). Cytogenetic location: 11q23.3.
Variant type: single nucleotide variant.
Coding change: c.1313C>T on transcript NM_020693.4 (MANE Select); coding-DNA position 1313, C replaced by T.
Protein change: p.Thr438Met; replaces threonine 438 with methionine.
Molecular consequence: missense variant.
Genome position (GRCh38, 1-based): chr11:117,518,663, G>A on the plus strand (C>T on the coding strand, the complement: DSCAML1 is on the minus strand). VCF-style: chr11-117518663-G-A. GRCh37 (hg19) VCF-style: chr11-117389378-G-A.
Other names: c.1313C>T, p.Thr438Met (NM_001367904.1); c.905C>T, p.Thr302Met (NM_001367905.1); c.1493C>T (NM_020693.2); short protein forms T302M, T438M.
Identifiers: ClinVar variation 1910829 (VCV001910829.6), dbSNP rs762502300, ClinGen allele CA6297298.